The following is an entry in ClinVar:

ClinVar aggregate classification (germline): Uncertain significance. Review status: criteria provided, multiple submitters, no conflicts (2 of 4 stars). 3 submissions from 3 submitters: Uncertain significance (3). Last evaluated 2024-10-15.

Conditions:
X-linked myopathy with postural muscle atrophy. Also called: FHL1-Related Emery-Dreifuss Muscular Dystrophy, X-Linked. Identifiers: Orphanet 178461, MedGen C2678055, MONDO:0010401, OMIM 300696.
Cardiovascular phenotype. Identifiers: MedGen CN230736.

Allele frequency attached by ClinVar (database versions not stated): gnomAD exomes below 0.00001.
gnomAD v4.1: 4 of 1,211,634 alleles (0.00033%); highest among the groups gnomAD compares: Non-Finnish European, 0.00034%; no homozygotes.

Submissions (3):

Labcorp Genetics (formerly Invitae), Labcorp
Classification: Uncertain significance for X-linked myopathy with postural muscle atrophy. Last evaluated: 2024-10-15. Review status: criteria provided, single submitter. Criteria: Invitae Variant Classification Sherloc (09022015). Collection method: clinical testing. Allele origin: germline.
Comment: This sequence change replaces valine, which is neutral and non-polar, with methionine, which is neutral and non-polar, at codon 210 of the FHL1 protein (p.Val210Met). This variant is present in population databases (no rsID available, gnomAD no frequency). This variant has not been reported in the literature in individuals affected with FHL1-related conditions. ClinVar contains an entry for this variant (Variation ID: 1807538). An algorithm developed to predict the effect of missense changes on protein structure and function (PolyPhen-2) suggests that this variant is likely to be disruptive. In summary, the available evidence is currently insufficient to determine the role of this variant in disease. Therefore, it has been classified as a Variant of Uncertain Significance.

Ambry Genetics
Classification: Uncertain significance for Cardiovascular phenotype. Last evaluated: 2023-02-23. Review status: criteria provided, single submitter. Criteria: Ambry Variant Classification Scheme 2023. Collection method: clinical testing. Allele origin: germline.
Comment: The p.V210M variant (also known as c.628G>A), located in coding exon 4 of the FHL1 gene, results from a G to A substitution at nucleotide position 628. The valine at codon 210 is replaced by methionine, an amino acid with highly similar properties. This amino acid position is conserved. In addition, this alteration is predicted to be deleterious by in silico analysis. Since supporting evidence is limited at this time, the clinical significance of this alteration remains unclear.

Athena Diagnostics
Classification: Uncertain significance. Last evaluated: 2022-08-25. Review status: criteria provided, single submitter. Criteria: Athena Diagnostics Criteria. Collection method: clinical testing. Allele origin: unknown.

NM_001159699.2(FHL1):c.676G>A (p.Val226Met)

Gene: FHL1 (four and a half LIM domains 1; plus strand). Cytogenetic location: Xq26.3.
Variant type: single nucleotide variant.
Coding change: c.676G>A on transcript NM_001159699.2 (MANE Select); coding-DNA position 676, G replaced by A.
Protein change: p.Val226Met; replaces valine 226 with methionine.
Molecular consequence: missense variant. On other transcripts: non-coding transcript variant (1), intron variant (2).
Genome position (GRCh38, 1-based): chrX:136,208,581, G>A. VCF-style: chrX-136208581-G-A. GRCh37 (hg19) VCF-style: chrX-135290740-G-A.
Other names: c.628G>A, p.Val210Met (NM_001159700.2, NM_001159702.3, NM_001159704.1 and 8 more transcripts); c.715G>A, p.Val239Met (NM_001159701.2); c.501+620G>A (NM_001159703.2); c.549+620G>A (NM_001330659.2); short protein forms V210M, V226M, V239M.
Identifiers: ClinVar variation 1807538 (VCV001807538.5), dbSNP rs1238461729, ClinGen allele CA414608978.
Genomic context (GRCh38, chrX:136,208,581, plus strand): 5'-ACCTGCTCTAAGAAGCTGGCTGGGCAGCGTTTCACCGCTGTGGAGGACCAGTATTACTGC[G>A]TGGATTGCTACAAGAACTTTGTGGCCAAGAAGTGTGCTGGATGCAAGAACCCCATCACTG-3'
Protein context (NP_001153171.1, residues 216-236): FTAVEDQYYC[Val226Met]DCYKNFVAKK